The following is an entry in ClinVar:

ClinVar aggregate classification (germline): Uncertain significance. Review status: criteria provided, multiple submitters, no conflicts (2 of 4 stars). 2 submissions from 2 submitters: Uncertain significance (2). Last evaluated 2024-11-13.

Conditions:
Inborn genetic diseases. Identifiers: MedGen C0950123, MeSH D030342.
Charcot-Marie-Tooth disease type 4. Also called: Charcot-Marie-Tooth disease, type IV; Charcot-Marie-Tooth, Type 4. Identifiers: Orphanet 64749, MedGen C4082197, MONDO:0018995.

Allele frequency attached by ClinVar (database versions not stated): gnomAD exomes below 0.00001; gnomAD 0.00001; TOPMed 0.00001.

Submissions (2):

Ambry Genetics
Classification: Uncertain significance for Inborn genetic diseases. Last evaluated: 2024-11-13. Review status: criteria provided, single submitter. Criteria: Ambry Variant Classification Scheme 2023. Collection method: clinical testing. Allele origin: germline.

Labcorp Genetics (formerly Invitae), Labcorp
Classification: Uncertain significance for Charcot-Marie-Tooth disease type 4. Last evaluated: 2021-10-28. Review status: criteria provided, single submitter. Criteria: Invitae Variant Classification Sherloc (09022015). Collection method: clinical testing. Allele origin: germline.
Comment: This sequence change replaces valine, which is neutral and non-polar, with alanine, which is neutral and non-polar, at codon 1225 of the PRX protein (p.Val1225Ala). This variant is present in population databases (no rsID available, gnomAD 0.007%). This variant has not been reported in the literature in individuals affected with PRX-related conditions. Algorithms developed to predict the effect of missense changes on protein structure and function are either unavailable or do not agree on the potential impact of this missense change (SIFT: "Deleterious"; PolyPhen-2: "Benign"; Align-GVGD: "Class C0"). In summary, the available evidence is currently insufficient to determine the role of this variant in disease. Therefore, it has been classified as a Variant of Uncertain Significance.

NM_181882.3(PRX):c.3674T>C (p.Val1225Ala)

Gene: PRX (periaxin; minus strand). Cytogenetic location: 19q13.2.
Variant type: single nucleotide variant.
Coding change: c.3674T>C on transcript NM_181882.3 (MANE Select); coding-DNA position 3674, T replaced by C.
Protein change: p.Val1225Ala; replaces valine 1225 with alanine.
Molecular consequence: missense variant. On other transcripts: 3 prime UTR variant (1).
Genome position (GRCh38, 1-based): chr19:40,394,678, A>G on the plus strand (T>C on the coding strand, the complement: PRX is on the minus strand). VCF-style: chr19-40394678-A-G. GRCh37 (hg19) VCF-style: chr19-40900585-A-G.
Other names: c.*3879T>C (NM_020956.2); c.3674T>C (NM_181882.2); short protein forms V1225A.
Identifiers: ClinVar variation 1405038 (VCV001405038.4), dbSNP rs1329396084, ClinGen allele CA405892741.